The following is an entry in ClinVar:

ClinVar aggregate classification (germline): Pathogenic. Review status: criteria provided, single submitter (1 of 4 stars). 2 submissions from 2 submitters: Pathogenic (1). 1 of the submissions does not count toward it. Last evaluated 2022-12-16.

Conditions:
beta Thalassemia (BTHAL). Also called: Cooley's anemia; Erythroblastic anemia; Mediterranean anemia. Identifiers: Orphanet 848, MedGen C0005283, MONDO:0019402. Disease mechanism: loss of function.

Submissions (2):

Labcorp Genetics (formerly Invitae), Labcorp
Classification: Pathogenic. Last evaluated: 2022-12-16. Review status: criteria provided, single submitter. Criteria: Invitae Variant Classification Sherloc (09022015). Collection method: clinical testing. Allele origin: germline.
Comment: This sequence change creates a premature translational stop signal (p.Gly25Valfs*37) in the HBB gene. It is expected to result in an absent or disrupted protein product. Loss-of-function variants in HBB are known to be pathogenic (PMID: 23637309). This variant is not present in population databases (gnomAD no frequency). This premature translational stop signal has been observed in individual(s) with beta-thalassemia (PMID: 20113296). This variant is also known as codon 24 (-G). ClinVar contains an entry for this variant (Variation ID: 869361). Algorithms developed to predict the effect of sequence changes on RNA splicing suggest that this variant may create or strengthen a splice site. For these reasons, this variant has been classified as Pathogenic.

The ITHANET community portal, The Cyprus Institute of Neurology and Genetics
Classification: Pathogenic for beta Thalassemia. Last evaluated: 2019-11-25. Review status: no assertion criteria provided. Collection method: curation. Allele origin: germline. Not counted in ClinVar's aggregate classification.

Literature cited by the submitters: PubMed 23637309 (cited by Labcorp Genetics (formerly Invitae), Labcorp); PubMed 20113296 (cited by Labcorp Genetics (formerly Invitae), Labcorp and The ITHANET community portal, The Cyprus Institute of Neurology and Genetics).

NM_000518.5(HBB):c.74del (p.Gly25fs)

Genes: HBB (hemoglobin subunit beta; minus strand), LOC106099062 (HBB recombination region; plus strand), LOC107133510 (origin of replication at HBB; plus strand). Cytogenetic location: 11p15.4.
Variant type: Deletion.
Coding change: c.74del on transcript NM_000518.5 (MANE Select); coding-DNA position 74, one base deleted (G; older notation c.74delG).
Protein change: p.Gly25fs; shifts the reading frame from glycine 25.
Molecular consequence: frameshift variant.
Genome position (GRCh38, 1-based): chr11:5,226,948, C deleted on the plus strand (G on the coding strand, the reverse complement: HBB is on the minus strand); the first of 2 consecutive C bases (chr11:5,226,948-5,226,949); deleting either gives the same sequence. VCF-style (leftmost placement, unchanged base first): chr11-5226947-AC-A. GRCh37 (hg19) VCF-style: chr11-5248177-AC-A.
Other names: CD 24 -G; short protein forms G25fs.
Identifiers: ClinVar variation 869361 (VCV000869361.4), dbSNP rs1847582194, ClinGen allele CA916083210.